The following is an entry in ClinVar:

ClinVar aggregate classification (germline): Uncertain significance (1 of 4 stars; one submission).

Conditions:
Inborn genetic diseases. Identifiers: MedGen C0950123, MeSH D030342.

gnomAD v4.1: 1 of 1,612,560 alleles (0.000062%); highest among the groups gnomAD compares: Non-Finnish European, 0.000085%; no homozygotes.

Submission:

Ambry Genetics
Classification: Uncertain significance for Inborn genetic diseases. Last evaluated: 2025-08-02. Review status: criteria provided, single submitter. Criteria: Ambry Variant Classification Scheme 2023. Collection method: clinical testing. Allele origin: germline.
Comment: The p.A1065V variant (also known as c.3194C>T), located in coding exon 31 of the RTEL1 gene, results from a C to T substitution at nucleotide position 3194. The alanine at codon 1065 is replaced by valine, an amino acid with similar properties. This amino acid position is conserved. In addition, this alteration is predicted to be tolerated by in silico analysis. Based on the available evidence, the clinical significance of this variant remains unclear.

NM_001283009.2(RTEL1):c.3194C>T (p.Ala1065Val)

Genes: RTEL1 (regulator of telomere elongation helicase 1; plus strand), RTEL1-TNFRSF6B (RTEL1-TNFRSF6B readthrough (NMD candidate); plus strand). Cytogenetic location: 20q13.33.
Variant type: single nucleotide variant.
Coding change: c.3194C>T on transcript NM_001283009.2 (MANE Select); coding-DNA position 3194, C replaced by T.
Protein change: p.Ala1065Val; replaces alanine 1065 with valine.
Molecular consequence: missense variant. On other transcripts: non-coding transcript variant (1).
Genome position (GRCh38, 1-based): chr20:63,694,825, C>T. VCF-style: chr20-63694825-C-T. GRCh37 (hg19) VCF-style: chr20-62326178-C-T.
Other names: c.2525C>T, p.Ala842Val (NM_001283010.1); c.3194C>T, p.Ala1065Val (NM_016434.4); c.3266C>T, p.Ala1089Val (NM_032957.5); short protein forms A1089V, A842V, A1065V.
Identifiers: ClinVar variation 4157638 (VCV004157638.1).
Genomic context (GRCh38, chr20:63,694,825, plus strand): 5'-GGGGGTCTGGAGTGCCCAGAGCAGGGAAGCAGGGCCAGCACGCCGTGAGCGCCTACCTGG[C>T]TGATGCCCGCAGGGCCCTGGGGTCCGCGGGCTGTAGCCAACTCTTGGCAGCGCTGACAGC-3'
Protein context (NP_001269938.1, residues 1055-1075): QGQHAVSAYL[Ala1065Val]DARRALGSAG